The following is an entry in ClinVar:

NM_001035.3(RYR2):c.12679G>A (p.Glu4227Lys)

Genes: RYR2 (ryanodine receptor 2; plus strand), LOC126806068 (BRD4-independent group 4 enhancer GRCh37_chr1:237947411-237948610; plus strand). Cytogenetic location: 1q43.
Variant type: single nucleotide variant.
Coding change: c.12679G>A on transcript NM_001035.3 (MANE Select); coding-DNA position 12679, G replaced by A.
Protein change: p.Glu4227Lys; replaces glutamic acid 4227 with lysine.
Molecular consequence: missense variant.
Genome position (GRCh38, 1-based): chr1:237,784,391, G>A. VCF-style: chr1-237784391-G-A. GRCh37 (hg19) VCF-style: chr1-237947691-G-A.
Other names: short protein forms E4227K.
Identifiers: ClinVar variation 1461365 (VCV001461365.7), dbSNP rs2149354765, ClinGen allele CA345413898.
Genomic context (GRCh38, chr1:237,784,391, plus strand): 5'-TCGGAGTCGGACTTGAACGAGAGGTCAGCGAATAAGGAAGAAAGCGAGAAGGAGAGGCCG[G>A]AAGAGCAGGGGCCGAGGATGGCTTTCTTCTCCATTCTGACGGTCAGGTCGGCCCTGTTTG-3'
Protein context (NP_001026.2, residues 4217-4237): NKEESEKERP[Glu4227Lys]EQGPRMAFFS

ClinVar aggregate classification (germline): Uncertain significance (1 of 4 stars; one submission).

Conditions:
Catecholaminergic polymorphic ventricular tachycardia 1. Also called: RYR2-Related Catecholaminergic Polymorphic Ventricular Tachycardia; VENTRICULAR TACHYCARDIA, STRESS-INDUCED POLYMORPHIC 1; VENTRICULAR TACHYCARDIA, CATECHOLAMINERGIC POLYMORPHIC, 1, WITH OR WITHOUT ATRIAL DYSFUNCTION AND/OR DILATED CARDIOMYOPATHY. Identifiers: Orphanet 3286, MedGen C1631597, MONDO:0011484, OMIM 604772.

Submission:

Labcorp Genetics (formerly Invitae), Labcorp
Classification: Uncertain significance for Catecholaminergic polymorphic ventricular tachycardia 1. Last evaluated: 2021-10-19. Review status: criteria provided, single submitter. Criteria: Invitae Variant Classification Sherloc (09022015). Collection method: clinical testing. Allele origin: germline.
Comment: This sequence change replaces glutamic acid with lysine at codon 4227 of the RYR2 protein (p.Glu4227Lys). The glutamic acid residue is highly conserved and there is a small physicochemical difference between glutamic acid and lysine. This variant is not present in population databases (ExAC no frequency). This variant has not been reported in the literature in individuals affected with RYR2-related conditions. Advanced modeling of protein sequence and biophysical properties (such as structural, functional, and spatial information, amino acid conservation, physicochemical variation, residue mobility, and thermodynamic stability) performed at Invitae indicates that this missense variant is not expected to disrupt RYR2 protein function. In summary, the available evidence is currently insufficient to determine the role of this variant in disease. Therefore, it has been classified as a Variant of Uncertain Significance.